The following is an entry in ClinVar:

NM_003632.3(CNTNAP1):c.910G>A (p.Gly304Arg)

Gene: CNTNAP1 (contactin associated protein 1; plus strand). Cytogenetic location: 17q21.2.
Variant type: single nucleotide variant.
Coding change: c.910G>A on transcript NM_003632.3 (MANE Select); coding-DNA position 910, G replaced by A.
Protein change: p.Gly304Arg; replaces glycine 304 with arginine.
Molecular consequence: missense variant.
Genome position (GRCh38, 1-based): chr17:42,686,912, G>A. VCF-style: chr17-42686912-G-A. GRCh37 (hg19) VCF-style: chr17-40838930-G-A.
Other names: short protein forms G304R.
Identifiers: ClinVar variation 1303988 (VCV001303988.2), dbSNP rs2143652989, ClinGen allele CA399636958.
Genomic context (GRCh38, chr17:42,686,912, plus strand): 5'-GGCAGGCGCCCTCCTGTGCCCAAGAGGCCTCATTCCCCACGCCTCCCGCAGATGTTCATC[G>A]GAGGTCTGGTGGGCGCCGCGCGGAAGAACCTGGCCTATCGGCATAACTTCCGCGGCTGCA-3'
Protein context (NP_003623.1, residues 294-314): RLNLDTEMFI[Gly304Arg]GLVGAARKNL

ClinVar aggregate classification (germline): Uncertain significance (1 of 4 stars; one submission).

Submission:

GeneDx
Classification: Uncertain significance. Last evaluated: 2020-08-24. Review status: criteria provided, single submitter. Criteria: GeneDx Variant Classification Process June 2021. Collection method: clinical testing. Allele origin: germline. Affected: yes.
Comment: Not observed in large population cohorts (Lek et al., 2016); In silico analysis supports that this missense variant has a deleterious effect on protein structure/function; Has not been previously published as pathogenic or benign to our knowledge